The following is an entry in ClinVar:

NM_177438.3(DICER1):c.697A>C (p.Asn233His)

Gene: DICER1 (dicer 1, ribonuclease III; minus strand). Cytogenetic location: 14q32.13.
Variant type: single nucleotide variant.
Coding change: c.697A>C on transcript NM_177438.3 (MANE Select); coding-DNA position 697, A replaced by C.
Protein change: p.Asn233His; replaces asparagine 233 with histidine.
Molecular consequence: missense variant. On other transcripts: 5 prime UTR variant (1), non-coding transcript variant (6).
Genome position (GRCh38, 1-based): chr14:95,129,509, T>G on the plus strand (A>C on the coding strand, the complement: DICER1 is on the minus strand). VCF-style: chr14-95129509-T-G. GRCh37 (hg19) VCF-style: chr14-95595846-T-G.
Other names: c.697A>C, p.Asn233His (NM_001195573.1, NM_001271282.3, NM_001291628.2 and 14 more transcripts); c.415A>C, p.Asn139His (NM_001395686.1); c.292A>C, p.Asn98His (NM_001395687.1, NM_001395688.1, NM_001395689.1 and 3 more transcripts); c.130A>C, p.Asn44His (NM_001395691.1); c.-872A>C (NM_001395697.1); short protein forms N44H, N98H, N139H, N233H.
Identifiers: ClinVar variation 3664033 (VCV003664033.2).

ClinVar aggregate classification (germline): Uncertain significance (1 of 4 stars; one submission).

Conditions:
DICER1-related tumor predisposition. Also called: DICER1-related pleuropulmonary blastoma cancer predisposition syndrome; DICER1 syndrome. Identifiers: Orphanet 284343, MedGen C3839822, MONDO:0100216.

Submission:

Labcorp Genetics (formerly Invitae), Labcorp
Classification: Uncertain significance for DICER1-related tumor predisposition. Last evaluated: 2024-08-31. Review status: criteria provided, single submitter. Criteria: Invitae Variant Classification Sherloc (09022015). Collection method: clinical testing. Allele origin: germline.
Comment: This sequence change replaces asparagine, which is neutral and polar, with histidine, which is basic and polar, at codon 233 of the DICER1 protein (p.Asn233His). This variant is not present in population databases (gnomAD no frequency). This variant has not been reported in the literature in individuals affected with DICER1-related conditions. Invitae Evidence Modeling of protein sequence and biophysical properties (such as structural, functional, and spatial information, amino acid conservation, physicochemical variation, residue mobility, and thermodynamic stability) indicates that this missense variant is not expected to disrupt DICER1 protein function with a negative predictive value of 80%. In summary, the available evidence is currently insufficient to determine the role of this variant in disease. Therefore, it has been classified as a Variant of Uncertain Significance.